The following is an entry in ClinVar:

ClinVar aggregate classification (germline): Uncertain significance (1 of 4 stars; one submission).

Conditions:
Galactosylceramide beta-galactosidase deficiency. Also called: Leukodystrophy, Globoid Cell; GALACTOCEREBROSIDASE DEFICIENCY; GALC DEFICIENCY; GLOBOID CELL LEUKOENCEPHALOPATHY; Krabbe Disease. Identifiers: Orphanet 487, MedGen C0023521, MONDO:0009499, OMIM 245200.

gnomAD v4.1: 1 of 1,549,788 alleles (0.000065%); highest among the groups gnomAD compares: Non-Finnish European, 0.000087%; no homozygotes.

Submission:

Labcorp Genetics (formerly Invitae), Labcorp
Classification: Uncertain significance for Galactosylceramide beta-galactosidase deficiency. Last evaluated: 2022-01-16. Review status: criteria provided, single submitter. Criteria: Invitae Variant Classification Sherloc (09022015). Collection method: clinical testing. Allele origin: germline.
Comment: This sequence change replaces aspartic acid, which is acidic and polar, with glutamic acid, which is acidic and polar, at codon 47 of the GALC protein (p.Asp47Glu). This variant is not present in population databases (gnomAD no frequency). This variant has not been reported in the literature in individuals affected with GALC-related conditions. Advanced modeling of protein sequence and biophysical properties (such as structural, functional, and spatial information, amino acid conservation, physicochemical variation, residue mobility, and thermodynamic stability) performed at Invitae indicates that this missense variant is expected to disrupt GALC protein function. In summary, the available evidence is currently insufficient to determine the role of this variant in disease. Therefore, it has been classified as a Variant of Uncertain Significance.

NM_000153.4(GALC):c.141C>G (p.Asp47Glu)

Genes: GALC (galactosylceramidase; minus strand), LOC130056217 (ATAC-STARR-seq lymphoblastoid silent region 5988; plus strand). Cytogenetic location: 14q31.3.
Variant type: single nucleotide variant.
Coding change: c.141C>G on transcript NM_000153.4 (MANE Select); coding-DNA position 141, C replaced by G.
Protein change: p.Asp47Glu; replaces aspartic acid 47 with glutamic acid.
Molecular consequence: missense variant. On other transcripts: intron variant (1).
Genome position (GRCh38, 1-based): chr14:87,993,024, G>C on the plus strand (C>G on the coding strand, the complement: GALC is on the minus strand). VCF-style: chr14-87993024-G-C. GRCh37 (hg19) VCF-style: chr14-88459368-G-C.
Other names: c.141C>G, p.Asp47Glu (NM_001201401.2); c.117+359C>G (NM_001201402.2); short protein forms D47E.
Identifiers: ClinVar variation 2085743 (VCV002085743.1), dbSNP rs1348249713, ClinGen allele CA390771755.